The following is an entry in ClinVar:

ClinVar aggregate classification (germline): Uncertain significance. Review status: criteria provided, multiple submitters, no conflicts (2 of 4 stars). 2 submissions from 2 submitters: Uncertain significance (2). Last evaluated 2025-03-19.

Conditions:
Cardiovascular phenotype. Identifiers: MedGen CN230736.
Osteogenesis imperfecta type I (OI1). Also called: Classic Non-deforming Osteogenesis Imperfecta with Blue Sclerae; OI, TYPE I; OSTEOGENESIS IMPERFECTA TARDA; OSTEOGENESIS IMPERFECTA WITH BLUE SCLERAE; Osteogenesis imperfecta type 1; Lobstein's Disease. Identifiers: Orphanet 216796, Orphanet 666, MedGen C0023931, MONDO:0008146, OMIM 166200. Disease mechanism: loss of function.

Allele frequency attached by ClinVar (database versions not stated): gnomAD exomes below 0.00001; TOPMed below 0.00001.
gnomAD v4.1: 2 of 1,613,836 alleles (0.00012%); highest among the groups gnomAD compares: Non-Finnish European, 0.00017%; no homozygotes.

Submissions (2):

Labcorp Genetics (formerly Invitae), Labcorp
Classification: Uncertain significance for Osteogenesis imperfecta type I. Last evaluated: 2025-03-19. Review status: criteria provided, single submitter. Criteria: Invitae Variant Classification Sherloc (09022015). Collection method: clinical testing. Allele origin: germline.
Comment: This sequence change replaces proline, which is neutral and non-polar, with histidine, which is basic and polar, at codon 1164 of the COL1A1 protein (p.Pro1164His). This variant is not present in population databases (gnomAD no frequency). This variant has not been reported in the literature in individuals affected with COL1A1-related conditions. ClinVar contains an entry for this variant (Variation ID: 1731939). Invitae Evidence Modeling of protein sequence and biophysical properties (such as structural, functional, and spatial information, amino acid conservation, physicochemical variation, residue mobility, and thermodynamic stability) indicates that this missense variant is expected to disrupt COL1A1 protein function with a positive predictive value of 95%. In summary, the available evidence is currently insufficient to determine the role of this variant in disease. Therefore, it has been classified as a Variant of Uncertain Significance.

Ambry Genetics
Classification: Uncertain significance for Cardiovascular phenotype. Last evaluated: 2020-01-28. Review status: criteria provided, single submitter. Criteria: Ambry Variant Classification Scheme 2023. Collection method: clinical testing. Allele origin: germline.
Comment: The p.P1164H variant (also known as c.3491C>A), located in coding exon 47 of the COL1A1 gene, results from a C to A substitution at nucleotide position 3491. The proline at codon 1164 is replaced by histidine, an amino acid with similar properties. This amino acid position is highly conserved in available vertebrate species. In addition, this alteration is predicted to be deleterious by in silico analysis. Since supporting evidence is limited at this time, the clinical significance of this alteration remains unclear.

NM_000088.4(COL1A1):c.3491C>A (p.Pro1164His)

Gene: COL1A1 (collagen type I alpha 1 chain; minus strand). Cytogenetic location: 17q21.33.
Variant type: single nucleotide variant.
Coding change: c.3491C>A on transcript NM_000088.4 (MANE Select); coding-DNA position 3491, C replaced by A.
Protein change: p.Pro1164His; replaces proline 1164 with histidine.
Molecular consequence: missense variant.
Genome position (GRCh38, 1-based): chr17:50,187,055, G>T on the plus strand (C>A on the coding strand, the complement: COL1A1 is on the minus strand). VCF-style: chr17-50187055-G-T. GRCh37 (hg19) VCF-style: chr17-48264416-G-T.
Other names: short protein forms P1164H.
Identifiers: ClinVar variation 1731939 (VCV001731939.5), dbSNP rs1906609792, ClinGen allele CA400198691.